The following is an entry in ClinVar:

ClinVar aggregate classification (germline): Likely benign (0 of 4 stars; one submission).

Conditions:
MBD6-related disorder. Also called: MBD6-related condition.

Submission:

PreventionGenetics, part of Exact Sciences
Classification: Likely benign for MBD6-related condition. Last evaluated: 2019-05-02. Review status: no assertion criteria provided. Collection method: clinical testing. Allele origin: germline.
Comment: This variant is classified as likely benign based on ACMG/AMP sequence variant interpretation guidelines (Richards et al. 2015 PMID: 25741868, with internal and published modifications).

NM_052897.4(MBD6):c.2083-5_2083-3del

Gene: MBD6 (methyl-CpG binding domain protein 6; plus strand). Cytogenetic location: 12q13.3.
Variant type: Deletion.
Coding change: c.2083-5_2083-3del on transcript NM_052897.4 (MANE Select); 5 bases into the intron before coding-DNA position 2083 through 3 bases into the intron before coding-DNA position 2083, 3 bases deleted (CTT; older notation c.2083-5_2083-3delCTT).
Molecular consequence: intron variant.
Genome position (GRCh38, 1-based): chr12:57,527,502-57,527,504, CTT deleted; deleting any 3 consecutive bases within chr12:57,527,500-57,527,504 gives the same sequence; the c. name uses the placement nearest the transcript's 3' end. VCF-style (leftmost placement, unchanged base first): chr12-57527499-TTTC-T. GRCh37 (hg19) VCF-style: chr12-57921282-TTTC-T.
Identifiers: ClinVar variation 3038028 (VCV003038028.2), dbSNP rs752791552, ClinGen allele CA6651627.